The following is an entry in ClinVar:

ClinVar aggregate classification (germline): Conflicting classifications of pathogenicity. Review status: criteria provided, conflicting classifications (1 of 4 stars). 2 submissions from 2 submitters: Uncertain significance (1); Likely benign (1). Last evaluated 2026-06-23.

Conditions:
FGFR3-related chondrodysplasia. Identifiers: Orphanet 93420, MedGen C5681604, MONDO:0019685.

gnomAD v4.1: 11 of 1,612,840 alleles (0.00068%); highest among the groups gnomAD compares: Middle Eastern, 0.016%; no homozygotes.

Submissions (2):

Genomenon, Inc
Classification: Uncertain significance for FGFR3-related chondrodysplasia. Last evaluated: 2026-06-23. Review status: criteria provided, single submitter. Criteria: Genomenon Sequence Variant Interpretation Standards - Updated. Collection method: curation. Allele origin: germline. Affected: no.
Comment: FGFR3 p.Pro401Thr (c.1201C>A) is a missense variant that changes the amino acid at codon 401 from Proline to Threonine. This variant has been reported in the published literature (PMID:41062690). It is absent or not present at a significant frequency in gnomAD. In silico models predict that this variant is not damaging. In conclusion, we classify FGFR3 p.Pro401Thr (c.1201C>A) as a variant of uncertain significance.

Labcorp Genetics (formerly Invitae), Labcorp
Classification: Likely benign. Last evaluated: 2023-09-26. Review status: criteria provided, single submitter. Criteria: Invitae Variant Classification Sherloc (09022015). Collection method: clinical testing. Allele origin: germline.

Literature cited by the submitters: PubMed 41062690 (cited by Genomenon, Inc).

NM_000142.5(FGFR3):c.1201C>A (p.Pro401Thr)

Gene: FGFR3 (fibroblast growth factor receptor 3; plus strand). Cytogenetic location: 4p16.3.
Variant type: single nucleotide variant.
Coding change: c.1201C>A on transcript NM_000142.5 (MANE Select); coding-DNA position 1201, C replaced by A.
Protein change: p.Pro401Thr; replaces proline 401 with threonine.
Molecular consequence: missense variant. On other transcripts: non-coding transcript variant (1), intron variant (1).
Genome position (GRCh38, 1-based): chr4:1,804,455, C>A. VCF-style: chr4-1804455-C-A. GRCh37 (hg19) VCF-style: chr4-1806182-C-A.
Other names: c.1207C>A, p.Pro403Thr (NM_001163213.2); c.1201C>A, p.Pro401Thr (NM_001354809.2, NM_001354810.2); c.931-369C>A (NM_022965.4); short protein forms P401T, P403T.
Identifiers: ClinVar variation 2914775 (VCV002914775.4), dbSNP rs762705505, ClinGen allele CA2810292.